The following is an entry in ClinVar:

ClinVar aggregate classification (germline): Conflicting classifications of pathogenicity. Review status: criteria provided, conflicting classifications (1 of 4 stars). 6 submissions from 6 submitters: Uncertain significance (1); Likely benign (4). 1 of the submissions does not count toward it. Last evaluated 2026-10-01.

Conditions:
3-hydroxy-3-methylglutaryl-CoA synthase deficiency (HMGCS2D). Also called: HMG-CoA synthase-2 deficiency; HMGCS2 DEFICIENCY; MITOCHONDRIAL HMG-CoA SYNTHASE DEFICIENCY. Identifiers: Orphanet 35701, MedGen C2751532, MONDO:0011614, OMIM 605911.
HMGCS2-related disorder. Also called: HMGCS2-related condition.

Allele frequency attached by ClinVar (database versions not stated): ESP Exome Variant Server 0.00015; gnomAD exomes 0.00018 and 0.00021; TOPMed 0.00018; ExAC 0.00023; gnomAD 0.00024.
gnomAD v4.1: 329 of 1,613,900 alleles (0.02%); highest among the groups gnomAD compares: Non-Finnish European, 0.026%; 1 homozygote.

Submissions (6):

CeGaT Center for Human Genetics Tuebingen
Classification: Likely benign. Last evaluated: 2026-10-01. Review status: criteria provided, single submitter. Criteria: CeGaT Center For Human Genetics Tuebingen Variant Classification Criteria Version 2. Collection method: clinical testing. Allele origin: germline. Affected: yes. Observed: 1 variant allele.
Comment: HMGCS2: BP4, BP7

Blueprint Genetics
Classification: Likely benign. Last evaluated: 2024-10-24. Review status: criteria provided, single submitter. Criteria: ACMG Guidelines, 2015. Collection method: clinical testing. Allele origin: germline.

Labcorp Genetics (formerly Invitae), Labcorp
Classification: Likely benign for 3-hydroxy-3-methylglutaryl-CoA synthase deficiency. Last evaluated: 2024-10-16. Review status: criteria provided, single submitter. Criteria: Invitae Variant Classification Sherloc (09022015). Collection method: clinical testing. Allele origin: germline.

Illumina Laboratory Services, Illumina
Classification: Uncertain significance for 3-hydroxy-3-methylglutaryl-CoA synthase deficiency. Last evaluated: 2018-01-13. Review status: criteria provided, single submitter. Criteria: ICSL Variant Classification Criteria 13 December 2019. Collection method: clinical testing. Allele origin: germline.

GeneDx
Classification: Likely benign. Last evaluated: 2016-09-14. Review status: criteria provided, single submitter. Criteria: GeneDx Variant Classification (06012015). Collection method: clinical testing. Allele origin: germline. Affected: yes.
Comment: This variant is considered likely benign or benign based on one or more of the following criteria: it is a conservative change, it occurs at a poorly conserved position in the protein, it is predicted to be benign by multiple in silico algorithms, and/or has population frequency not consistent with disease.

PreventionGenetics, part of Exact Sciences
Classification: Likely benign for HMGCS2-related condition. Last evaluated: 2024-03-29. Review status: no assertion criteria provided. Collection method: clinical testing. Allele origin: germline. Not counted in ClinVar's aggregate classification.
Comment: This variant is classified as likely benign based on ACMG/AMP sequence variant interpretation guidelines (Richards et al. 2015 PMID: 25741868, with internal and published modifications).

NM_005518.4(HMGCS2):c.570C>T (p.Ala190=)

Gene: HMGCS2 (3-hydroxy-3-methylglutaryl-CoA synthase 2; minus strand). Cytogenetic location: 1p12.
Variant type: single nucleotide variant.
Coding change: c.570C>T on transcript NM_005518.4 (MANE Select); coding-DNA position 570, C replaced by T.
Protein change: p.Ala190=; no amino-acid change (alanine 190 retained).
Molecular consequence: synonymous variant. On other transcripts: intron variant (1).
Genome position (GRCh38, 1-based): chr1:119,759,979, G>A on the plus strand (C>T on the coding strand, the complement: HMGCS2 is on the minus strand). VCF-style: chr1-119759979-G-A. GRCh37 (hg19) VCF-style: chr1-120302602-G-A.
Other names: c.560-697C>T (NM_001166107.1).
Identifiers: ClinVar variation 389052 (VCV000389052.19), dbSNP rs201735169, ClinGen allele CA1037848.